The following is an entry in ClinVar:

ClinVar aggregate classification (germline): Uncertain significance (1 of 4 stars; one submission).

Submission:

Labcorp Genetics (formerly Invitae), Labcorp
Classification: Uncertain significance. Last evaluated: 2024-09-03. Review status: criteria provided, single submitter. Criteria: Invitae Variant Classification Sherloc (09022015). Collection method: clinical testing. Allele origin: germline.
Comment: This sequence change replaces methionine, which is neutral and non-polar, with arginine, which is basic and polar, at codon 4113 of the DNAH9 protein (p.Met4113Arg). This variant is not present in population databases (gnomAD no frequency). This variant has not been reported in the literature in individuals affected with DNAH9-related conditions. Invitae Evidence Modeling of protein sequence and biophysical properties (such as structural, functional, and spatial information, amino acid conservation, physicochemical variation, residue mobility, and thermodynamic stability) indicates that this missense variant is expected to disrupt DNAH9 protein function with a positive predictive value of 80%. In summary, the available evidence is currently insufficient to determine the role of this variant in disease. Therefore, it has been classified as a Variant of Uncertain Significance.

NM_001372.4(DNAH9):c.12338T>G (p.Met4113Arg)

Gene: DNAH9 (dynein axonemal heavy chain 9; plus strand). Cytogenetic location: 17p12.
Variant type: single nucleotide variant.
Coding change: c.12338T>G on transcript NM_001372.4 (MANE Select); coding-DNA position 12338, T replaced by G.
Protein change: p.Met4113Arg; replaces methionine 4113 with arginine.
Molecular consequence: missense variant.
Genome position (GRCh38, 1-based): chr17:11,933,920, T>G. VCF-style: chr17-11933920-T-G. GRCh37 (hg19) VCF-style: chr17-11837237-T-G.
Other names: c.1274T>G, p.Met425Arg (NM_004662.2); short protein forms M425R, M4113R.
Identifiers: ClinVar variation 3684685 (VCV003684685.2).